The following is an entry in ClinVar:

ClinVar aggregate classification (germline): Uncertain significance. Review status: criteria provided, multiple submitters, no conflicts (2 of 4 stars). 3 submissions from 3 submitters: Uncertain significance (3). Last evaluated 2024-03-11.

Conditions:
Inborn genetic diseases. Identifiers: MedGen C0950123, MeSH D030342.

Allele frequency attached by ClinVar (database versions not stated): ExAC 0.00002; gnomAD exomes 0.00002; gnomAD 0.00004 and 0.00005; TOPMed 0.00004; ESP Exome Variant Server 0.00008; 1000 Genomes Project 30x 0.00016; 1000 Genomes Project 0.00020.
gnomAD v4.1: 47 of 1,613,826 alleles (0.0029%); highest among the groups gnomAD compares: African/African-American, 0.015%; no homozygotes.

Submissions (3):

Labcorp Genetics (formerly Invitae), Labcorp
Classification: Uncertain significance. Last evaluated: 2024-03-11. Review status: criteria provided, single submitter. Criteria: Invitae Variant Classification Sherloc (09022015). Collection method: clinical testing. Allele origin: germline.
Comment: This sequence change replaces arginine, which is basic and polar, with glutamine, which is neutral and polar, at codon 1246 of the TRPM1 protein (p.Arg1246Gln). This variant is present in population databases (rs375783888, gnomAD 0.02%). This variant has not been reported in the literature in individuals affected with TRPM1-related conditions. ClinVar contains an entry for this variant (Variation ID: 1418384). Advanced modeling of protein sequence and biophysical properties (such as structural, functional, and spatial information, amino acid conservation, physicochemical variation, residue mobility, and thermodynamic stability) performed at Invitae indicates that this missense variant is not expected to disrupt TRPM1 protein function with a negative predictive value of 95%. In summary, the available evidence is currently insufficient to determine the role of this variant in disease. Therefore, it has been classified as a Variant of Uncertain Significance.

Blueprint Genetics
Classification: Uncertain significance. Last evaluated: 2024-01-31. Review status: criteria provided, single submitter. Criteria: ACMG Guidelines, 2015. Collection method: clinical testing. Allele origin: germline.

Ambry Genetics
Classification: Uncertain significance for Inborn genetic diseases. Last evaluated: 2023-10-10. Review status: criteria provided, single submitter. Criteria: Ambry Variant Classification Scheme 2023. Collection method: clinical testing. Allele origin: germline.

NM_001252024.2(TRPM1):c.3803G>A (p.Arg1268Gln)

Gene: TRPM1 (transient receptor potential cation channel subfamily M member 1; minus strand). Cytogenetic location: 15q13.3.
Variant type: single nucleotide variant.
Coding change: c.3803G>A on transcript NM_001252024.2 (MANE Select); coding-DNA position 3803, G replaced by A.
Protein change: p.Arg1268Gln; replaces arginine 1268 with glutamine.
Molecular consequence: missense variant.
Genome position (GRCh38, 1-based): chr15:31,002,897, C>T on the plus strand (G>A on the coding strand, the complement: TRPM1 is on the minus strand). VCF-style: chr15-31002897-C-T. GRCh37 (hg19) VCF-style: chr15-31295100-C-T.
Other names: c.3854G>A, p.Arg1285Gln (NM_001252020.2); c.3737G>A, p.Arg1246Gln (NM_002420.6); c.3737G>A (NM_002420.4); short protein forms R1285Q, R1268Q, R1246Q.
Identifiers: ClinVar variation 1418384 (VCV001418384.7), dbSNP rs375783888, ClinGen allele CA7451758.